The following is an entry in ClinVar:

ClinVar aggregate classification (germline): Pathogenic/Likely pathogenic. Review status: criteria provided, multiple submitters, no conflicts (2 of 4 stars). 2 submissions from 2 submitters: Pathogenic (1); Likely pathogenic (1). Last evaluated 2023-10-13.

Conditions:
Early-infantile DEE. Also called: Early infantile epileptic encephalopathy; Early infantile epileptic encephalopathy with suppression bursts; Ohtahara syndrome. Identifiers: Orphanet 1934, MedGen C0393706, MONDO:0800491.
Developmental and epileptic encephalopathy, 7 (DEE7). Also called: KCNQ2-Related Neonatal-Onset Developmental and Epileptic Encephalopathy (NEO-DEE); Early infantile epileptic encephalopathy 7; KCNQ2-Related Neonatal Epileptic Encephalopathy. Identifiers: Orphanet 439218, MedGen C3150986, MONDO:0013387, OMIM 613720.

Submissions (2):

Labcorp Genetics (formerly Invitae), Labcorp
Classification: Pathogenic for Early-infantile DEE. Last evaluated: 2023-10-13. Review status: criteria provided, single submitter. Criteria: Invitae Variant Classification Sherloc (09022015). Collection method: clinical testing. Allele origin: germline.
Comment: This sequence change replaces leucine, which is neutral and non-polar, with valine, which is neutral and non-polar, at codon 243 of the KCNQ2 protein (p.Leu243Val). This variant is not present in population databases (gnomAD no frequency). This missense change has been observed in individual(s) with early infantile epileptic encephalopathy (PMID: 31564432). In at least one individual the variant was observed to be de novo. ClinVar contains an entry for this variant (Variation ID: 692002). Advanced modeling of protein sequence and biophysical properties (such as structural, functional, and spatial information, amino acid conservation, physicochemical variation, residue mobility, and thermodynamic stability) performed at Invitae indicates that this missense variant is expected to disrupt KCNQ2 protein function. This variant disrupts the p.Leu243 amino acid residue in KCNQ2. Other variant(s) that disrupt this residue have been determined to be pathogenic (PMID: 14534157, 30478917). This suggests that this residue is clinically significant, and that variants that disrupt this residue are likely to be disease-causing. For these reasons, this variant has been classified as Pathogenic.

Rady Children's Institute for Genomic Medicine, Rady Children's Hospital San Diego
Classification: Likely pathogenic for EPILEPTIC ENCEPHALOPATHY, EARLY INFANTILE, 7. Last evaluated: 2018-01-06. Review status: criteria provided, single submitter. Criteria: ACMG Guidelines, 2015. Collection method: clinical testing. Allele origin: germline. Affected: yes. Observed: 1 variant allele.
Comment: This c.727C>G (p.Leu243Val) variant has not been reported in the literature to our knowledge. However, a variant affecting the same nucleotide position but resulting in a different amino acid change (p.Leu243Phe) was detected in multiple individuals with neonatal seizures from a single family (PMID: 14534157). Additionally, studies have shown that the p.Leu243Phe variant is functionally consequential (PMID: 14534157, 11278406). This variant is absent from the gnomAD population database, thus it is presumed to be rare. This variant affects a highly conserved amino acid and is predicted by multiple in silico tools to have a deleterious effect on protein function. Based on the available evidence, the c.727C>G (p.Leu243Val) variant is classified as likely pathogenic.

Literature cited by the submitters: PubMed 31564432 (cited by Labcorp Genetics (formerly Invitae), Labcorp); PubMed 14534157 (cited by Labcorp Genetics (formerly Invitae), Labcorp); PubMed 30478917 (cited by Labcorp Genetics (formerly Invitae), Labcorp).

NM_172107.4(KCNQ2):c.727C>G (p.Leu243Val)

Gene: KCNQ2 (potassium voltage-gated channel subfamily Q member 2; minus strand). Cytogenetic location: 20q13.33.
Variant type: single nucleotide variant.
Coding change: c.727C>G on transcript NM_172107.4 (MANE Select); coding-DNA position 727, C replaced by G.
Protein change: p.Leu243Val; replaces leucine 243 with valine.
Molecular consequence: missense variant.
Genome position (GRCh38, 1-based): chr20:63,442,495, G>C on the plus strand (C>G on the coding strand, the complement: KCNQ2 is on the minus strand). VCF-style: chr20-63442495-G-C. GRCh37 (hg19) VCF-style: chr20-62073848-G-C.
Other names: c.727C>G, p.Leu243Val (NM_004518.6, NM_172106.3, NM_172108.5 and 1 more transcripts); short protein forms L243V.
Identifiers: ClinVar variation 692002 (VCV000692002.4), dbSNP rs118192205, ClinGen allele CA409653983.
Genomic context (GRCh38, chr20:63,442,495, plus strand): 5'-TGTCAAAGTGGTCGTTCTCCCCCTTCTCTGCCAAGTACACCAGGAACGAGGCCAGGATGA[G>C]ACAAAGGAAGCCGATGTACCAGGCAGTGACCAGCTCCTGAGAGGCAGACGGCACCACCAT-3'
Protein context (NP_742105.1, residues 233-253): VTAWYIGFLC[Leu243Val]ILASFLVYLA